The following is an entry in ClinVar:

NM_006227.4(PLTP):c.1176G>C (p.Arg392Ser)

Gene: PLTP (phospholipid transfer protein; minus strand). Cytogenetic location: 20q13.12.
Variant type: single nucleotide variant.
Coding change: c.1176G>C on transcript NM_006227.4 (MANE Select); coding-DNA position 1176, G replaced by C.
Protein change: p.Arg392Ser; replaces arginine 392 with serine.
Molecular consequence: missense variant.
Genome position (GRCh38, 1-based): chr20:45,899,878, C>G on the plus strand (G>C on the coding strand, the complement: PLTP is on the minus strand). VCF-style: chr20-45899878-C-G. GRCh37 (hg19) VCF-style: chr20-44528517-C-G.
Other names: c.891G>C, p.Arg297Ser (NM_001242920.2); c.912G>C, p.Arg304Ser (NM_001242921.1); c.1020G>C, p.Arg340Ser (NM_182676.3); short protein forms R304S, R297S, R340S, R392S.
Identifiers: ClinVar variation 1937488 (VCV001937488.5), dbSNP rs1227580210, ClinGen allele CA409255431.

ClinVar aggregate classification (germline): Uncertain significance (1 of 4 stars; one submission).

Allele frequency attached by ClinVar (database versions not stated): TOPMed 0.00001; gnomAD 0.00002.
gnomAD v4.1: 8 of 1,421,890 alleles (0.00056%); highest among the groups gnomAD compares: Non-Finnish European, 0.00074%; no homozygotes.

Submission:

Labcorp Genetics (formerly Invitae), Labcorp
Classification: Uncertain significance. Last evaluated: 2021-12-24. Review status: criteria provided, single submitter. Criteria: Invitae Variant Classification Sherloc (09022015). Collection method: clinical testing. Allele origin: germline.
Comment: In summary, the available evidence is currently insufficient to determine the role of this variant in disease. Therefore, it has been classified as a Variant of Uncertain Significance. This sequence change replaces arginine, which is basic and polar, with serine, which is neutral and polar, at codon 392 of the PLTP protein (p.Arg392Ser). This variant is not present in population databases (gnomAD no frequency). This variant has not been reported in the literature in individuals affected with PLTP-related conditions. Algorithms developed to predict the effect of missense changes on protein structure and function are either unavailable or do not agree on the potential impact of this missense change (SIFT: "Tolerated"; PolyPhen-2: "Possibly Damaging"; Align-GVGD: "Class C15"). Algorithms developed to predict the effect of sequence changes on RNA splicing suggest that this variant may disrupt the consensus splice site.